The following is an entry in ClinVar:

ClinVar aggregate classification (germline): Likely benign. Review status: reviewed by expert panel (3 of 4 stars). 6 submissions from 6 submitters: Likely benign (1). 5 of the submissions do not count toward it. Last evaluated 2017-06-29.

Conditions:
Hereditary cancer-predisposing syndrome. Also called: Tumor predisposition; Hereditary neoplastic syndrome; Hereditary Cancer Syndrome; Neoplastic Syndromes, Hereditary. Identifiers: Orphanet 140162, MedGen C0027672, MeSH D009386, MONDO:0015356.
Hereditary breast ovarian cancer syndrome. Also called: Hereditary breast and ovarian cancer; Hereditary breast and/or ovarian cancer syndrome; BRCA1- and BRCA2-Associated Hereditary Breast and Ovarian Cancer; Hereditary breast and ovarian cancer syndrome (HBOC); Hereditary breast and ovarian cancer syndrome; Breast and ovarian cancer. Identifiers: Orphanet 145, MedGen C0677776, MeSH D061325, MONDO:0003582. Disease mechanism: loss of function.
Breast-ovarian cancer, familial, susceptibility to, 1 (BROVCA1). Also called: BRCA1 Hereditary Breast and Ovarian Cancer; OVARIAN CANCER, SUSCEPTIBILITY TO. Identifiers: Orphanet 145, MedGen C2676676, MONDO:0011450, OMIM 604370. Disease mechanism: loss of function.

Allele frequency attached by ClinVar (database versions not stated): gnomAD exomes 0.00001 and 0.00003; ExAC 0.00006.
gnomAD v4.1: 9 of 1,614,050 alleles (0.00056%); highest among the groups gnomAD compares: Non-Finnish European, 0.00059%; no homozygotes.

Submissions (6):

Evidence-based Network for the Interpretation of Germline Mutant Alleles (ENIGMA)
Classification: Likely benign for Breast-ovarian cancer, familial, susceptibility to, 1. Last evaluated: 2017-06-29. Review status: reviewed by expert panel. Criteria: ENIGMA BRCA1/2 Classification Criteria (2017-06-29). Collection method: curation. Allele origin: germline.
Comment: Synonymous substitution variant, with low bioinformatic likelihood to result in a splicing aberration (Splicing prior probability 0.02).

CeGaT Center for Human Genetics Tuebingen
Classification: Likely benign. Last evaluated: 2025-02-01. Review status: criteria provided, single submitter. Criteria: CeGaT Center For Human Genetics Tuebingen Variant Classification Criteria Version 2. Collection method: clinical testing. Allele origin: germline. Affected: yes. Observed: 1 variant allele. Not counted in ClinVar's aggregate classification.
Comment: BRCA1: BP4, BP7

Labcorp Genetics (formerly Invitae), Labcorp
Classification: Likely benign for Hereditary breast ovarian cancer syndrome. Last evaluated: 2024-04-29. Review status: criteria provided, single submitter. Criteria: Invitae Variant Classification Sherloc (09022015). Collection method: clinical testing. Allele origin: germline. Not counted in ClinVar's aggregate classification.

Color Diagnostics, LLC DBA Color Health
Classification: Likely benign for Hereditary cancer-predisposing syndrome. Last evaluated: 2021-02-26. Review status: criteria provided, single submitter. Criteria: ACMG Guidelines, 2015. Collection method: clinical testing. Allele origin: germline. Not counted in ClinVar's aggregate classification.

Ambry Genetics
Classification: Likely benign for Hereditary cancer-predisposing syndrome. Last evaluated: 2016-03-01. Review status: criteria provided, single submitter. Criteria: Ambry Variant Classification Scheme 2023. Collection method: clinical testing. Allele origin: germline. Not counted in ClinVar's aggregate classification.

GeneDx
Classification: Likely benign. Last evaluated: 2016-01-27. Review status: criteria provided, single submitter. Criteria: GeneDx Variant Classification (06012015). Collection method: clinical testing. Allele origin: germline. Affected: yes. Not counted in ClinVar's aggregate classification.
Comment: This variant is considered likely benign or benign based on one or more of the following criteria: it is a conservative change, it occurs at a poorly conserved position in the protein, it is predicted to be benign by multiple in silico algorithms, and/or has population frequency not consistent with disease.

NM_007294.4(BRCA1):c.1830G>A (p.Arg610=)

Gene: BRCA1 (BRCA1 DNA repair associated; minus strand). Cytogenetic location: 17q21.31.
Variant type: single nucleotide variant.
Coding change: c.1830G>A on transcript NM_007294.4 (MANE Select); coding-DNA position 1830, G replaced by A.
Protein change: p.Arg610=; no amino-acid change (arginine 610 retained).
Molecular consequence: synonymous variant. On other transcripts: intron variant (137).
Genome position (GRCh38, 1-based): chr17:43,093,701, C>T on the plus strand (G>A on the coding strand, the complement: BRCA1 is on the minus strand). VCF-style: chr17-43093701-C-T. GRCh37 (hg19) VCF-style: chr17-41245718-C-T.
Other names: c.1707G>A, p.Arg569= (NM_001407666.1, NM_001407667.1, NM_001407668.1 and 19 more transcripts); c.1704G>A, p.Arg568= (NM_001407670.1, NM_001407671.1, NM_001407672.1 and 11 more transcripts); c.1830G>A, p.Arg610= (NM_001407684.1, NM_001407854.1, NM_001407858.1 and 30 more transcripts); c.1689G>A, p.Arg563= (NM_001407692.1, NM_001407694.1, NM_001407695.1 and 29 more transcripts); c.1686G>A, p.Arg562= (NM_001407740.1, NM_001407741.1, NM_001407742.1 and 20 more transcripts); c.1617G>A, p.Arg539= (NM_001407853.1, NM_001407894.1, NM_001407895.1 and 9 more transcripts); c.1827G>A, p.Arg609= (NM_001407860.1, NM_001407861.1, NM_001407587.1 and 22 more transcripts); c.1629G>A, p.Arg543= (NM_001407862.1); and 40 more.
Identifiers: ClinVar variation 136080 (VCV000136080.34), dbSNP rs587780796, ClinGen allele CA001192.
Genomic context (GRCh38, chr17:43,093,701, plus strand): 5'-ATTTCTACTGACTACTAGTTCAAGCGCATGAATATGCCTGGTAGAAGACTTCCTCCTCAG[C>T]CTATTCTTTTTAGGTGCTTTTGAATTGTGGATATTTAATTCGAGTTCCATATTGCTTATA-3'
Protein context (NP_009225.1, residues 600-620): IHNSKAPKKN[Arg610=]LRRKSSTRHI